The following is an entry in ClinVar:

NM_004006.3(DMD):c.2353C>T (p.Gln785Ter)

Gene: DMD (dystrophin; minus strand). Cytogenetic location: Xp21.1.
Variant type: single nucleotide variant.
Coding change: c.2353C>T on transcript NM_004006.3 (MANE Select); coding-DNA position 2353, C replaced by T.
Protein change: p.Gln785Ter; replaces glutamine 785 with a stop codon.
Molecular consequence: nonsense.
Genome position (GRCh38, 1-based): chrX:32,501,782, G>A on the plus strand (C>T on the coding strand, the complement: DMD is on the minus strand). VCF-style: chrX-32501782-G-A. GRCh37 (hg19) VCF-style: chrX-32519899-G-A.
Other names: c.2329C>T, p.Gln777Ter (NM_000109.4); c.2341C>T, p.Gln781Ter (NM_004009.3); c.1984C>T, p.Gln662Ter (NM_004010.3); short protein forms Q662*, Q777*, Q781*, Q785*.
Identifiers: ClinVar variation 1072123 (VCV001072123.13), dbSNP rs2148691015, ClinGen allele CA412673603.

ClinVar aggregate classification (germline): Pathogenic. Review status: criteria provided, multiple submitters, no conflicts (2 of 4 stars). 3 submissions from 3 submitters: Pathogenic (3). Last evaluated 2022-02-16.

Conditions:
Duchenne muscular dystrophy (DMD). Also called: Duchenne Muscular Dystrophy (DMD); MUSCULAR DYSTROPHY, PSEUDOHYPERTROPHIC PROGRESSIVE, DUCHENNE TYPE. Identifiers: Orphanet 98896, MedGen C0013264, MONDO:0010679, OMIM 310200.
Becker muscular dystrophy (BMD). Also called: Becker Muscular Dystrophy (BMD); MUSCULAR DYSTROPHY, PSEUDOHYPERTROPHIC PROGRESSIVE, BECKER TYPE. Identifiers: Orphanet 98895, MedGen C0917713, MONDO:0010311, OMIM 300376.
Dilated cardiomyopathy 3B (CMD3B). Also called: DMD-Associated Dilated Cardiomyopathy; CMD3B: DMD-Related Dilated Cardiomyopathy; CARDIOMYOPATHY, DILATED, X-LINKED. Identifiers: Orphanet 154, MedGen C3668940, MONDO:0010542, OMIM 302045.

Submissions (3):

Kariminejad - Najmabadi Pathology & Genetics Center
Classification: Pathogenic for Duchenne muscular dystrophy. Last evaluated: 2022-02-16. Review status: criteria provided, single submitter. Criteria: ACMG Guidelines, 2015. Collection method: clinical testing. Allele origin: germline. Inheritance: X-linked inheritance. Affected: yes.
Comment: PVS1,PM2,PP5

Labcorp Genetics (formerly Invitae), Labcorp
Classification: Pathogenic for Duchenne muscular dystrophy. Last evaluated: 2020-09-17. Review status: criteria provided, single submitter. Criteria: Invitae Variant Classification Sherloc (09022015). Collection method: clinical testing. Allele origin: germline.
Comment: This sequence change creates a premature translational stop signal (p.Gln785*) in the DMD gene. It is expected to result in an absent or disrupted protein product. This variant is not present in population databases (ExAC no frequency). This variant has been observed in individual(s) with Duchenne muscular dystrophy (PMID: 17253928). Loss-of-function variants in DMD are known to be pathogenic (PMID: 16770791, 25007885). For these reasons, this variant has been classified as Pathogenic.

Juno Genomics, Hangzhou Juno Genomics, Inc
Classification: Pathogenic for Becker muscular dystrophy; Dilated cardiomyopathy 3B; Duchenne muscular dystrophy. Review status: criteria provided, single submitter. Criteria: ACMG Guidelines, 2015. Collection method: clinical testing. Allele origin: germline.
Comment: Absent from controls (or at extremely low frequency if recessive) in Genome Aggregation Database.;Null variant in a gene where loss of function (LOF) is a known mechanism of disease.;The prevalence of the variant in affected individuals is significantly increased compared to the prevalence in controls.;Patient's phenotype or family history is highly specific for a disease with a single genetic etiology.

Literature cited by the submitters: PubMed 17253928 (cited by Labcorp Genetics (formerly Invitae), Labcorp); PubMed 16770791 (cited by Labcorp Genetics (formerly Invitae), Labcorp); PubMed 25007885 (cited by Labcorp Genetics (formerly Invitae), Labcorp).